The following is an entry in ClinVar:

NM_004320.6(ATP2A1):c.2836C>G (p.Leu946Val)

Gene: ATP2A1 (ATPase sarcoplasmic/endoplasmic reticulum Ca2+ transporting 1; plus strand). Cytogenetic location: 16p11.2.
Variant type: single nucleotide variant.
Coding change: c.2836C>G on transcript NM_004320.6 (MANE Select); coding-DNA position 2836, C replaced by G.
Protein change: p.Leu946Val; replaces leucine 946 with valine.
Molecular consequence: missense variant.
Genome position (GRCh38, 1-based): chr16:28,903,121, C>G. VCF-style: chr16-28903121-C-G. GRCh37 (hg19) VCF-style: chr16-28914442-C-G.
Other names: c.2461C>G, p.Leu821Val (NM_001286075.2); c.2836C>G, p.Leu946Val (NM_173201.5); c.2836C>G (NM_173201.4); short protein forms L821V, L946V.
Identifiers: ClinVar variation 1207620 (VCV001207620.6), dbSNP rs762199691, ClinGen allele CA7987411.

ClinVar aggregate classification (germline): Uncertain significance. Review status: criteria provided, multiple submitters, no conflicts (2 of 4 stars). 3 submissions from 3 submitters: Uncertain significance (3). Last evaluated 2025-06-20.

Conditions:
Brody myopathy. Also called: BRODY DISEASE. Identifiers: Orphanet 53347, MedGen C1832918, MONDO:0010977, OMIM 601003.

Allele frequency attached by ClinVar (database versions not stated): gnomAD 0.00001; gnomAD exomes 0.00001; TOPMed 0.00001; ExAC 0.00002.
gnomAD v4.1: 13 of 1,613,678 alleles (0.00081%); highest among the groups gnomAD compares: Non-Finnish European, 0.0011%; no homozygotes.

Submissions (3):

Revvity Omics, Revvity
Classification: Uncertain significance for Brody myopathy. Last evaluated: 2025-06-20. Review status: criteria provided, single submitter. Criteria: ACMG Guidelines, 2015. Collection method: clinical testing. Allele origin: germline.

Labcorp Genetics (formerly Invitae), Labcorp
Classification: Uncertain significance for Brody myopathy. Last evaluated: 2022-01-20. Review status: criteria provided, single submitter. Criteria: Invitae Variant Classification Sherloc (09022015). Collection method: clinical testing. Allele origin: germline.
Comment: This sequence change replaces leucine, which is neutral and non-polar, with valine, which is neutral and non-polar, at codon 946 of the ATP2A1 protein (p.Leu946Val). This variant is present in population databases (rs762199691, gnomAD 0.003%). This variant has not been reported in the literature in individuals affected with ATP2A1-related conditions. ClinVar contains an entry for this variant (Variation ID: 1207620). Algorithms developed to predict the effect of missense changes on protein structure and function (SIFT, PolyPhen-2, Align-GVGD) all suggest that this variant is likely to be tolerated. In summary, the available evidence is currently insufficient to determine the role of this variant in disease. Therefore, it has been classified as a Variant of Uncertain Significance.

GeneDx
Classification: Uncertain significance. Last evaluated: 2020-08-25. Review status: criteria provided, single submitter. Criteria: GeneDx Variant Classification Process June 2021. Collection method: clinical testing. Allele origin: germline. Affected: yes.
Comment: Not observed at a significant frequency in large population cohorts (Lek et al., 2016); In silico analysis supports that this missense variant does not alter protein structure/function; Has not been previously published as pathogenic or benign to our knowledge